The following is an entry in ClinVar:

NM_133379.5(TTN):c.14489A>G (p.Gln4830Arg)

Genes: TTN (titin; minus strand), LOC126806432 (CDK7 strongly-dependent group 2 enhancer GRCh37_chr2:179611985-179613184; plus strand). Cytogenetic location: 2q31.2.
Variant type: single nucleotide variant.
Coding change: c.14489A>G on transcript NM_133379.5; coding-DNA position 14489, A replaced by G.
Protein change: p.Gln4830Arg; replaces glutamine 4830 with arginine.
Molecular consequence: missense variant. On other transcripts: intron variant (6).
Genome position (GRCh38, 1-based): chr2:178,747,911, T>C on the plus strand (A>G on the coding strand, the complement: TTN is on the minus strand). VCF-style: chr2-178747911-T-C. GRCh37 (hg19) VCF-style: chr2-179612638-T-C.
Other names: p.Q4830R:CAG>CGG; c.10222+5213A>G (NM_003319.4); c.10798+5213A>G (NM_133437.4); c.10597+5213A>G (NM_133432.3); c.10360+5213A>G (NM_001256850.1, NM_133378.4); c.11311+5213A>G (NM_001267550.2); c.14489A>G (NM_133379.4); short protein forms Q4830R.
Identifiers: ClinVar variation 166259 (VCV000166259.48), dbSNP rs144905085, ClinGen allele CA179097.

ClinVar aggregate classification (germline): Likely benign. Review status: criteria provided, multiple submitters, no conflicts (2 of 4 stars). 8 submissions from 8 submitters: Likely benign (6). 2 of the submissions do not count toward it. Last evaluated 2026-09-21.

Conditions:
TTN-related disorder. Also called: TTN-related disorders; TTN-related condition; TTN-related disease.

Allele frequency attached by ClinVar (database versions not stated): 1000 Genomes Project 0.00060; 1000 Genomes Project 30x 0.00062; gnomAD 0.00085 and 0.00094; TOPMed 0.00099; ESP Exome Variant Server 0.00108.
gnomAD v4.1: 264 of 1,613,184 alleles (0.016%); highest among the groups gnomAD compares: African/African-American, 0.31%; no homozygotes.

Submissions (8):

Molecular Diagnostic Laboratory for Inherited Cardiovascular Disease, Montreal Heart Institute
Classification: Likely benign. Last evaluated: 2026-09-21. Review status: criteria provided, single submitter. Criteria: ACMG Guidelines, 2015. Collection method: clinical testing. Allele origin: germline. Affected: no.
Comment: BS1;BP1

Blueprint Genetics
Classification: Likely benign. Last evaluated: 2024-09-03. Review status: criteria provided, single submitter. Criteria: ACMG Guidelines, 2015. Collection method: clinical testing. Allele origin: germline.

CeGaT Center for Human Genetics Tuebingen
Classification: Likely benign. Last evaluated: 2024-09-01. Review status: criteria provided, single submitter. Criteria: CeGaT Center For Human Genetics Tuebingen Variant Classification Criteria Version 2. Collection method: clinical testing. Allele origin: germline. Affected: yes. Observed: 3 variant alleles.
Comment: TTN: BP4, BS1

Eurofins Ntd Llc (ga)
Classification: Likely benign. Last evaluated: 2016-12-20. Review status: criteria provided, single submitter. Criteria: EGL Classification Definitions 2015. Collection method: clinical testing. Allele origin: germline. Observed: 3 variant alleles, 3 heterozygotes.

Biesecker Lab/Clinical Genomics Section, National Institutes of Health
Classification: Likely benign. Last evaluated: 2013-06-24. Review status: criteria provided, single submitter. Criteria: Ng et al. (Circ Cardiovasc Genet. 2013). Collection method: research. Allele origin: unknown. Observed: 1 variant allele. Study: ClinSeq.
Comment: The study set was not selected for affection status in relation to any cancer. Pathogenicity categories were based on literature curation. See Pubmed ID:23861362 for details.

Medical sequencing

Laboratory for Molecular Medicine, Mass General Brigham Personalized Medicine
Classification: Likely benign. Last evaluated: 2012-03-19. Review status: criteria provided, single submitter. Criteria: LMM Criteria. Collection method: clinical testing. Allele origin: germline. Observed: 1 variant allele.
Comment: p.Gln4830Arg in Exon 45A of TTN: This variant is not expected to have clinical s ignificance because it has been identified in 0.3% (12/3738) of African American chromosomes from a broad population by the NHLBI Exome Sequencing Project (dbSNP rs144905085).

PreventionGenetics, part of Exact Sciences
Classification: Likely benign for TTN-related condition. Last evaluated: 2022-03-09. Review status: no assertion criteria provided. Collection method: clinical testing. Allele origin: germline. Not counted in ClinVar's aggregate classification.
Comment: This variant is classified as likely benign based on ACMG/AMP sequence variant interpretation guidelines (Richards et al. 2015 PMID: 25741868, with internal and published modifications).

GeneDx
No classification provided. Last evaluated: 2014-10-29. Review status: no classification provided. Criteria: GeneDx Variant Classification (06012015). Collection method: clinical testing. Allele origin: germline. Affected: yes. Not counted in ClinVar's aggregate classification.
Comment: Missense variants in the TTN gene are considered 'unclassified' if they are not previously reported in the literature and do not have >1% frequency in the population to be considered a polymorphism. Research indicates that truncating mutations in the TTN gene are expected to account for approximately 25% of familial and 18% of sporadic idiopathic DCM; however, truncating variants in the TTN gene have been reported in approximately 3% of reported control alleles. There has been little investigation into non-truncating variants. (Herman D et al. Truncations of titin causing dilated cardiomyopathy. N Eng J Med 366:619-628, 2012) The variant is found in DCM-CRDM panel(s).